The following is an entry in ClinVar:

ClinVar aggregate classification (germline): Uncertain significance. Review status: criteria provided, multiple submitters, no conflicts (2 of 4 stars). 6 submissions from 6 submitters: Uncertain significance (5). 1 of the submissions does not count toward it. Last evaluated 2025-07-31.

Conditions:
Hereditary cancer-predisposing syndrome. Also called: Hereditary neoplastic syndrome; Neoplastic Syndromes, Hereditary; Tumor predisposition; Hereditary Cancer Syndrome. Identifiers: Orphanet 140162, MedGen C0027672, MeSH D009386, MONDO:0015356.
Microcephaly, normal intelligence and immunodeficiency (NBS). Also called: IMMUNODEFICIENCY, MICROCEPHALY, AND CHROMOSOMAL INSTABILITY; SEEMANOVA SYNDROME II; Nijmegen breakage syndrome; Microcephaly with normal intelligence immunodeficiency and lymphoreticular malignancies; Nonsyndromal microcephaly autosomal recessive with normal intelligence; Seemanova syndrome 2. Identifiers: Orphanet 647, MedGen C0398791, MONDO:0009623, OMIM 251260.
Aplastic anemia. Identifiers: Orphanet 182040, Orphanet 88, MedGen C0002874, MONDO:0015909, OMIM 609135, HP:0001915.

Allele frequency attached by ClinVar (database versions not stated): TOPMed 0.00001; gnomAD 0.00002.

Submissions (6):

Ambry Genetics
Classification: Uncertain significance for Hereditary cancer-predisposing syndrome. Last evaluated: 2025-07-31. Review status: criteria provided, single submitter. Criteria: Ambry Variant Classification Scheme 2023. Collection method: clinical testing. Allele origin: germline.

Labcorp Genetics (formerly Invitae), Labcorp
Classification: Uncertain significance for Microcephaly, normal intelligence and immunodeficiency. Last evaluated: 2025-05-04. Review status: criteria provided, single submitter. Criteria: Invitae Variant Classification Sherloc (09022015). Collection method: clinical testing. Allele origin: germline.
Comment: This sequence change replaces histidine, which is basic and polar, with aspartic acid, which is acidic and polar, at codon 45 of the NBN protein (p.His45Asp). This variant is present in population databases (no rsID available, gnomAD 0.01%). This variant has not been reported in the literature in individuals affected with NBN-related conditions. ClinVar contains an entry for this variant (Variation ID: 461504). An algorithm developed to predict the effect of missense changes on protein structure and function (PolyPhen-2) suggests that this variant is likely to be disruptive. In summary, the available evidence is currently insufficient to determine the role of this variant in disease. Therefore, it has been classified as a Variant of Uncertain Significance.

GeneDx
Classification: Uncertain significance. Last evaluated: 2024-11-13. Review status: criteria provided, single submitter. Criteria: GeneDx Variant Classification Process June 2021. Collection method: clinical testing. Allele origin: germline. Affected: yes.
Comment: In silico analysis supports that this missense variant has a deleterious effect on protein structure/function; Has not been previously published as pathogenic or benign to our knowledge; This variant is associated with the following publications: (PMID: 24894818)

Baylor Genetics
Classification: Uncertain significance for Aplastic anemia. Last evaluated: 2023-11-22. Review status: criteria provided, single submitter. Criteria: ACMG Guidelines, 2015. Collection method: clinical testing. Allele origin: unknown.

Genome-Nilou Lab
Classification: Uncertain significance for Microcephaly, normal intelligence and immunodeficiency. Last evaluated: 2021-11-07. Review status: criteria provided, single submitter. Criteria: ACMG Guidelines, 2015. Collection method: clinical testing. Allele origin: germline. Affected: no.

Natera, Inc.
Classification: Uncertain significance for Nijmegen breakage syndrome. Last evaluated: 2021-03-02. Review status: no assertion criteria provided. Collection method: clinical testing. Allele origin: germline. Not counted in ClinVar's aggregate classification.

NM_002485.5(NBN):c.133C>G (p.His45Asp)

Gene: NBN (nibrin; minus strand). Cytogenetic location: 8q21.3.
Variant type: single nucleotide variant.
Coding change: c.133C>G on transcript NM_002485.5 (MANE Select); coding-DNA position 133, C replaced by G.
Protein change: p.His45Asp; replaces histidine 45 with aspartic acid.
Molecular consequence: missense variant. On other transcripts: 5 prime UTR variant (1).
Genome position (GRCh38, 1-based): chr8:89,982,760, G>C on the plus strand (C>G on the coding strand, the complement: NBN is on the minus strand). VCF-style: chr8-89982760-G-C. GRCh37 (hg19) VCF-style: chr8-90994988-G-C.
Other names: c.-164C>G (NM_001024688.3); short protein forms H45D.
Identifiers: ClinVar variation 461504 (VCV000461504.28), dbSNP rs773865323, ClinGen allele CA371663033.